The following is an entry in ClinVar:

NM_015450.3(POT1):c.112A>C (p.Ser38Arg)

Gene: POT1 (protection of telomeres 1; minus strand). Cytogenetic location: 7q31.33.
Variant type: single nucleotide variant.
Coding change: c.112A>C on transcript NM_015450.3 (MANE Select); coding-DNA position 112, A replaced by C.
Protein change: p.Ser38Arg; replaces serine 38 with arginine.
Molecular consequence: missense variant. On other transcripts: 5 prime UTR variant (1), non-coding transcript variant (3).
Genome position (GRCh38, 1-based): chr7:124,892,278, T>G on the plus strand (A>C on the coding strand, the complement: POT1 is on the minus strand). VCF-style: chr7-124892278-T-G. GRCh37 (hg19) VCF-style: chr7-124532332-T-G.
Other names: c.-151A>C (NM_001042594.2); short protein forms S38R.
Identifiers: ClinVar variation 3663713 (VCV003663713.2).

ClinVar aggregate classification (germline): Uncertain significance (1 of 4 stars; one submission).

Conditions:
Tumor predisposition syndrome 3 (TPDS3). Also called: Melanoma, cutaneous malignant, susceptibility to, 10; Glioma susceptibility 9; LONG TELOMERE SYNDROME, POT1-RELATED; POT1 Tumor Predisposition. Identifiers: Orphanet 618, MedGen C4014476, MONDO:0014368, OMIM 615848.

gnomAD v4.1: 1 of 1,533,342 alleles (0.000065%); highest among the groups gnomAD compares: Non-Finnish European, 0.000087%; no homozygotes.

Submission:

Labcorp Genetics (formerly Invitae), Labcorp
Classification: Uncertain significance for Tumor predisposition syndrome 3. Last evaluated: 2024-09-15. Review status: criteria provided, single submitter. Criteria: Invitae Variant Classification Sherloc (09022015). Collection method: clinical testing. Allele origin: germline.
Comment: This sequence change replaces serine, which is neutral and polar, with arginine, which is basic and polar, at codon 38 of the POT1 protein (p.Ser38Arg). This variant is not present in population databases (gnomAD no frequency). This variant has not been reported in the literature in individuals affected with POT1-related conditions. Invitae Evidence Modeling of protein sequence and biophysical properties (such as structural, functional, and spatial information, amino acid conservation, physicochemical variation, residue mobility, and thermodynamic stability) indicates that this missense variant is not expected to disrupt POT1 protein function with a negative predictive value of 80%. In summary, the available evidence is currently insufficient to determine the role of this variant in disease. Therefore, it has been classified as a Variant of Uncertain Significance.